The following is an entry in ClinVar:

NM_018406.7(MUC4):c.10470T>C (p.His3490=)

Gene: MUC4 (mucin 4, cell surface associated). Cytogenetic location: 3q29.
Variant type: single nucleotide variant.
Coding change: c.10470T>C on transcript NM_018406.7 (MANE Select); coding-DNA position 10470, T replaced by C.
Protein change: p.His3490=; no amino-acid change (histidine 3490 retained).
Molecular consequence: synonymous variant. On other transcripts: genic upstream transcript variant (2).
Genome position (GRCh38, 1-based): chr3:195,781,110, A>G on the plus strand (T>C on the coding strand, the complement: MUC4 is on the minus strand). VCF-style: chr3-195781110-A-G. GRCh37 (hg19) VCF-style: chr3-195507981-A-G.
Other names: c.15240T>C, p.Pro5080= (NM_001322468.1); c.83-6805T>C (NM_138297.5); c.83-2655T>C (NM_004532.6).
Identifiers: ClinVar variation 2654427 (VCV002654427.24), dbSNP rs1455370073, ClinGen allele CA438038123.

ClinVar aggregate classification (germline): Likely benign (1 of 4 stars; one submission).

gnomAD v4.1: 18 of 1,488,168 alleles (0.0012%); highest among the groups gnomAD compares: Non-Finnish European, 0.0015%; no homozygotes.

Submission:

CeGaT Center for Human Genetics Tuebingen
Classification: Likely benign. Last evaluated: 2022-03-01. Review status: criteria provided, single submitter. Criteria: CeGaT Center For Human Genetics Tuebingen Variant Classification Criteria Version 2. Collection method: clinical testing. Allele origin: germline. Affected: yes. Observed: 1 variant allele.
Comment: MUC4: BP4, BP7